The following is an entry in ClinVar:

ClinVar aggregate classification (germline): Uncertain significance (1 of 4 stars; one submission).

Allele frequency attached by ClinVar (database versions not stated): gnomAD exomes below 0.00001; gnomAD 0.00001; 1000 Genomes Project 0.00020; 1000 Genomes Project 30x 0.00031.
gnomAD v4.1: 4 of 1,614,252 alleles (0.00025%); highest among the groups gnomAD compares: Admixed American, 0.0017%; no homozygotes.

Submission:

Labcorp Genetics (formerly Invitae), Labcorp
Classification: Uncertain significance. Last evaluated: 2024-08-12. Review status: criteria provided, single submitter. Criteria: Invitae Variant Classification Sherloc (09022015). Collection method: clinical testing. Allele origin: germline.
Comment: This sequence change replaces glutamine, which is neutral and polar, with leucine, which is neutral and non-polar, at codon 1798 of the SNRNP200 protein (p.Gln1798Leu). This variant is not present in population databases (gnomAD no frequency). This variant has not been reported in the literature in individuals affected with SNRNP200-related conditions. Advanced modeling of protein sequence and biophysical properties (such as structural, functional, and spatial information, amino acid conservation, physicochemical variation, residue mobility, and thermodynamic stability) performed at Invitae indicates that this missense variant is expected to disrupt SNRNP200 protein function with a positive predictive value of 80%. In summary, the available evidence is currently insufficient to determine the role of this variant in disease. Therefore, it has been classified as a Variant of Uncertain Significance.

NM_014014.5(SNRNP200):c.5393A>T (p.Gln1798Leu)

Gene: SNRNP200 (small nuclear ribonucleoprotein U5 subunit 200; minus strand). Cytogenetic location: 2q11.2.
Variant type: single nucleotide variant.
Coding change: c.5393A>T on transcript NM_014014.5 (MANE Select); coding-DNA position 5393, A replaced by T.
Protein change: p.Gln1798Leu; replaces glutamine 1798 with leucine.
Molecular consequence: missense variant.
Genome position (GRCh38, 1-based): chr2:96,278,642, T>A on the plus strand (A>T on the coding strand, the complement: SNRNP200 is on the minus strand). VCF-style: chr2-96278642-T-A. GRCh37 (hg19) VCF-style: chr2-96944380-T-A.
Other names: short protein forms Q1798L.
Identifiers: ClinVar variation 2964025 (VCV002964025.3), dbSNP rs562004595, ClinGen allele CA52386386.